The following is an entry in ClinVar:

ClinVar aggregate classification (germline): Pathogenic (1 of 4 stars; one submission).

Conditions:
CEP290-related ciliopathy. Also called: CEP290 ciliopathy. Identifiers: MedGen CN305601, MONDO:0100451.

Submission:

Myriad Genetics, Inc.
Classification: Pathogenic for CEP290-related ciliopathy. Last evaluated: 2025-12-13. Review status: criteria provided, single submitter. Criteria: Myriad Autosomal Dominant, Autosomal Recessive and X-Linked Classification Criteria (2023). Collection method: clinical testing. Allele origin: unknown.
Comment: NM_025114.3(CEP290):c.1891delG(A631Pfs*7) is expected to be pathogenic in the context of CEP290-related disorders. This variant is predicted to lead to an abnormal or absent protein product due to the creation of a premature termination codon in CEP290, a gene where loss-of-function variants are known to be pathogenic. Please note: this variant was assessed in the context of healthy population screening.

NM_025114.4(CEP290):c.1891del (p.Ala631fs)

Gene: CEP290 (centrosomal protein 290; minus strand). Cytogenetic location: 12q21.32.
Variant type: Deletion.
Coding change: c.1891del on transcript NM_025114.4 (MANE Select); coding-DNA position 1891, one base deleted (G; older notation c.1891delG).
Protein change: p.Ala631fs; shifts the reading frame from alanine 631.
Molecular consequence: frameshift variant.
Genome position (GRCh38, 1-based): chr12:88,115,116, C deleted on the plus strand (G on the coding strand, the reverse complement: CEP290 is on the minus strand). VCF-style (leftmost placement, unchanged base first): chr12-88115115-GC-G. GRCh37 (hg19) VCF-style: chr12-88508892-GC-G.
Other names: short protein forms A631fs.
Identifiers: ClinVar variation 5015315 (VCV005015315.1).